The following is an entry in ClinVar:

NM_000535.7(PMS2):c.358G>A (p.Val120Ile)

Gene: PMS2 (PMS1 homolog 2, mismatch repair system component; minus strand). Cytogenetic location: 7p22.1.
Variant type: single nucleotide variant.
Coding change: c.358G>A on transcript NM_000535.7 (MANE Select); coding-DNA position 358, G replaced by A.
Protein change: p.Val120Ile; replaces valine 120 with isoleucine.
Molecular consequence: missense variant. On other transcripts: 5 prime UTR variant (29), non-coding transcript variant (1), intron variant (1).
Genome position (GRCh38, 1-based): chr7:6,002,632, C>T on the plus strand (G>A on the coding strand, the complement: PMS2 is on the minus strand). VCF-style: chr7-6002632-C-T. GRCh37 (hg19) VCF-style: chr7-6042263-C-T.
Other names: c.-48G>A (NM_001322003.2, NM_001322004.2, NM_001322005.2 and 24 more transcripts); c.358G>A, p.Val120Ile (NM_001322006.2, NM_001322014.2, NM_001406869.1 and 8 more transcripts); c.40G>A, p.Val14Ile (NM_001322007.2, NM_001322008.2, NM_001406876.1 and 4 more transcripts); c.-527G>A (NM_001322011.2, NM_001322012.2); c.49G>A, p.Val17Ile (NM_001322015.2, NM_001406875.1, NM_001406877.1 and 6 more transcripts); c.544G>A, p.Val182Ile (NM_001406866.1); c.382G>A, p.Val128Ile (NM_001406868.1); c.250+1340G>A (NM_001406885.1); short protein forms V14I, V17I, V120I, V128I, V182I.
Identifiers: ClinVar variation 3890962 (VCV003890962.1).

ClinVar aggregate classification (germline): Uncertain significance (1 of 4 stars; one submission).

Conditions:
Hereditary cancer-predisposing syndrome. Also called: Tumor predisposition; Neoplastic Syndromes, Hereditary; Hereditary Cancer Syndrome; Hereditary neoplastic syndrome. Identifiers: Orphanet 140162, MedGen C0027672, MeSH D009386, MONDO:0015356.

Submission:

Ambry Genetics
Classification: Uncertain significance for Hereditary cancer-predisposing syndrome. Last evaluated: 2025-01-09. Review status: criteria provided, single submitter. Criteria: Ambry Variant Classification Scheme 2023. Collection method: clinical testing. Allele origin: germline.
Comment: The p.V120I variant (also known as c.358G>A), located in coding exon 5 of the PMS2 gene, results from a G to A substitution at nucleotide position 358. The valine at codon 120 is replaced by isoleucine, an amino acid with highly similar properties. This amino acid position is not well conserved in available vertebrate species. In addition, the in silico prediction for this alteration is inconclusive. Based on the available evidence, the clinical significance of this variant remains unclear.